The following is an entry in ClinVar:

NM_004667.6(HERC2):c.7471A>G (p.Ser2491Gly)

Gene: HERC2 (HECT and RLD domain containing E3 ubiquitin protein ligase 2; minus strand). Cytogenetic location: 15q13.1.
Variant type: single nucleotide variant.
Coding change: c.7471A>G on transcript NM_004667.6 (MANE Select); coding-DNA position 7471, A replaced by G.
Protein change: p.Ser2491Gly; replaces serine 2491 with glycine.
Molecular consequence: missense variant.
Genome position (GRCh38, 1-based): chr15:28,202,356, T>C on the plus strand (A>G on the coding strand, the complement: HERC2 is on the minus strand). VCF-style: chr15-28202356-T-C. GRCh37 (hg19) VCF-style: chr15-28447502-T-C.
Other names: short protein forms S2491G.
Identifiers: ClinVar variation 4821268 (VCV004821268.4).

ClinVar aggregate classification (germline): Likely benign (1 of 4 stars; one submission).

gnomAD v4.1: 781 of 1,613,424 alleles (0.048%); highest among the groups gnomAD compares: South Asian, 0.44%; 3 homozygotes.

Submission:

CeGaT Center for Human Genetics Tuebingen
Classification: Likely benign. Last evaluated: 2026-07-01. Review status: criteria provided, single submitter. Criteria: CeGaT Center For Human Genetics Tuebingen Variant Classification Criteria Version 2. Collection method: clinical testing. Allele origin: germline. Affected: yes. Observed: 2 variant alleles.
Comment: HERC2: BS2